The following is an entry in ClinVar:

NM_153717.3(EVC):c.1132A>G (p.Met378Val)

Gene: EVC (EvC ciliary complex subunit 1; plus strand). Cytogenetic location: 4p16.2.
Variant type: single nucleotide variant.
Coding change: c.1132A>G on transcript NM_153717.3 (MANE Select); coding-DNA position 1132, A replaced by G.
Protein change: p.Met378Val; replaces methionine 378 with valine.
Molecular consequence: missense variant.
Genome position (GRCh38, 1-based): chr4:5,752,869, A>G. VCF-style: chr4-5752869-A-G. GRCh37 (hg19) VCF-style: chr4-5754596-A-G.
Other names: c.1132A>G, p.Met378Val (NM_001306090.2, NM_001306092.2); short protein forms M378V.
Identifiers: ClinVar variation 3378130 (VCV003378130.1).

ClinVar aggregate classification (germline): Uncertain significance (1 of 4 stars; one submission).

gnomAD v4.1: 5 of 1,614,072 alleles (0.00031%); highest among the groups gnomAD compares: East Asian, 0.0067%; no homozygotes.

Submission:

GeneDx
Classification: Uncertain significance. Last evaluated: 2024-05-01. Review status: criteria provided, single submitter. Criteria: GeneDx Variant Classification Process June 2021. Collection method: clinical testing. Allele origin: germline. Affected: yes.
Comment: In silico analysis supports that this missense variant has a deleterious effect on protein structure/function; Has not been previously published as pathogenic or benign to our knowledge